The following is an entry in ClinVar:

ClinVar aggregate classification (germline): Likely pathogenic (1 of 4 stars; one submission).

Conditions:
Gaucher disease. Also called: Acute cerebral Gaucher disease; Cerebroside lipidosis syndrome; Gaucher splenomegaly; Sphingolipidosis 1; Glucocerebrosidosis; Glucosylceramidase deficiency. Identifiers: Orphanet 355, MedGen C0017205, MONDO:0018150.

Submission:

Natera, Inc.
Classification: Likely pathogenic for Gaucher disease. Last evaluated: 2024-05-20. Review status: criteria provided, single submitter. Criteria: Natera Variant Classification Schema (03/2026). Collection method: clinical testing. Allele origin: germline.
Comment: The c.1205A>G variant in GBA1 is a missense variant predicted to cause substitution of tyrosine to cysteine at amino acid 402. This variant is rare in the general population with a frequency below the threshold expected for the associated phenotype(s). This variant has been observed in one or more individuals affected with the associated recessive disease, as either homozygous or compound heterozygous with a second variant (PMID: 27865684, 29934114, 32165122). Computational prediction algorithms indicate this variant is likely to affect gene or protein function. Given the available evidence, this variant is classified as Likely Pathogenic.

Literature cited by the submitters: PubMed 27865684; PubMed 29934114; PubMed 32165122.

NM_000157.4(GBA1):c.1205A>G (p.Tyr402Cys)

Genes: GBA1 (glucosylceramidase beta 1; minus strand), LOC106627981 (GBA recombination region; plus strand). Cytogenetic location: 1q22.
Variant type: single nucleotide variant.
Coding change: c.1205A>G on transcript NM_000157.4 (MANE Select); coding-DNA position 1205, A replaced by G.
Protein change: p.Tyr402Cys; replaces tyrosine 402 with cysteine.
Molecular consequence: missense variant.
Genome position (GRCh38, 1-based): chr1:155,236,264, T>C on the plus strand (A>G on the coding strand, the complement: GBA1 is on the minus strand). VCF-style: chr1-155236264-T-C. GRCh37 (hg19) VCF-style: chr1-155206055-T-C.
Other names: c.1205A>G, p.Tyr402Cys (NM_001005741.3, NM_001005742.3); c.944A>G, p.Tyr315Cys (NM_001171811.2); c.1058A>G, p.Tyr353Cys (NM_001171812.2); short protein forms Y315C, Y353C, Y402C.
Identifiers: ClinVar variation 4817694 (VCV004817694.1).
Genomic context (GRCh38, chr1:155,236,264, plus strand): 5'-CTGAGGTCTGCTTTGCAGGAAGGGAGACTGGGGTGGCTTACCGTGATGATGCTGTGGCTG[T>C]ACTGCATCCCTCGATCCCAGGAGCCTAGCCGCACACTCTGCTCCCAGAACTTGGAGCCCA-3'
Protein context (NP_000148.2, residues 392-412): RLGSWDRGMQ[Tyr402Cys]SHSIITNLLY